The following is an entry in ClinVar:

NM_152564.5(VPS13B):c.4319T>A (p.Leu1440Ter)

Gene: VPS13B (vacuolar protein sorting 13 homolog B; plus strand). Cytogenetic location: 8q22.2.
Variant type: single nucleotide variant.
Coding change: c.4319T>A on transcript NM_152564.5 (MANE Select); coding-DNA position 4319, T replaced by A.
Protein change: p.Leu1440Ter; replaces leucine 1440 with a stop codon.
Molecular consequence: nonsense.
Genome position (GRCh38, 1-based): chr8:99,511,198, T>A. VCF-style: chr8-99511198-T-A. GRCh37 (hg19) VCF-style: chr8-100523426-T-A.
Other names: c.4394T>A, p.Leu1465Ter (NM_017890.5); short protein forms L1440*, L1465*.
Identifiers: ClinVar variation 1724139 (VCV001724139.2), dbSNP rs2490521200, ClinGen allele CA371871371.

ClinVar aggregate classification (germline): Likely pathogenic (1 of 4 stars; one submission).

Conditions:
Cohen syndrome (COH1). Also called: PEPPER SYNDROME; Cutis verticis gyrata, retinitis pigmentosa, and sensorineural deafness. Identifiers: Orphanet 193, MedGen C0265223, MONDO:0008999, OMIM 216550.

Submission:

Myriad Genetics, Inc.
Classification: Likely pathogenic for Cohen syndrome. Last evaluated: 2022-01-27. Review status: criteria provided, single submitter. Criteria: Myriad Women's Health Autosomal Recessive and X-Linked Classification Criteria (2021). Collection method: clinical testing. Allele origin: unknown.
Comment: NM_017890.4(VPS13B):c.4394T>A(L1465*) is expected to be pathogenic in the context of Cohen syndrome. This variant is predicted to lead to an abnormal or absent protein product due to the creation of a premature termination codon in VPS13B, a gene where loss-of-function variants are known to be pathogenic. Please note: this variant was assessed in the context of healthy population screening.